The following is an entry in ClinVar:

ClinVar aggregate classification (germline): Benign. Review status: criteria provided, multiple submitters, no conflicts (2 of 4 stars). 2 submissions from 2 submitters: Benign (2). Last evaluated 2025-10-26.

Conditions:
Monilethrix. Also called: Beaded hair. Identifiers: Orphanet 573, MedGen C0546966, MONDO:0008009, HP:0032470.

Allele frequency attached by ClinVar (database versions not stated): ExAC 0.00039; TOPMed 0.00040; gnomAD exomes 0.00049; gnomAD 0.00061; 1000 Genomes Project 30x 0.00109; 1000 Genomes Project 0.00140.
gnomAD v4.1: 429 of 1,613,510 alleles (0.027%); highest among the groups gnomAD compares: East Asian, 0.74%; 3 homozygotes.

Submissions (2):

Labcorp Genetics (formerly Invitae), Labcorp
Classification: Benign. Last evaluated: 2025-10-26. Review status: criteria provided, single submitter. Criteria: Invitae Variant Classification Sherloc (09022015). Collection method: clinical testing. Allele origin: germline.

Illumina Laboratory Services, Illumina
Classification: Benign for Monilethrix-1. Last evaluated: 2018-01-12. Review status: criteria provided, single submitter. Criteria: ICSL Variant Classification Criteria 13 December 2019. Collection method: clinical testing. Allele origin: germline.
Comment: This variant was observed in the ICSL laboratory as part of a predisposition screen in an ostensibly healthy population. It had not been previously curated by ICSL or reported in the Human Gene Mutation Database (HGMD: prior to June 1st, 2018), and was therefore a candidate for classification through an automated scoring system. Utilizing variant allele frequency, disease prevalence and penetrance estimates, and inheritance mode, an automated score was calculated to assess if this variant is too frequent to cause the disease. Based on the score and internal cut-off values, a variant classified as benign is not then subjected to further curation. The score for this variant resulted in a classification of benign for this disease.

NM_002282.3(KRT83):c.699C>T (p.Asn233=)

Gene: KRT83 (keratin 83; minus strand). Cytogenetic location: 12q13.13.
Variant type: single nucleotide variant.
Coding change: c.699C>T on transcript NM_002282.3 (MANE Select); coding-DNA position 699, C replaced by T.
Protein change: p.Asn233=; no amino-acid change (asparagine 233 retained).
Molecular consequence: synonymous variant.
Genome position (GRCh38, 1-based): chr12:52,317,732, G>A on the plus strand (C>T on the coding strand, the complement: KRT83 is on the minus strand). VCF-style: chr12-52317732-G-A. GRCh37 (hg19) VCF-style: chr12-52711516-G-A.
Identifiers: ClinVar variation 309522 (VCV000309522.8), dbSNP rs186866078, ClinGen allele CA6577567.